The following is an entry in ClinVar:

NM_000263.4(NAGLU):c.241A>G (p.Thr81Ala)

Genes: NAGLU (N-acetyl-alpha-glucosaminidase; plus strand), LOC130060903 (ATAC-STARR-seq lymphoblastoid silent region 8533; plus strand). Cytogenetic location: 17q21.2.
Variant type: single nucleotide variant.
Coding change: c.241A>G on transcript NM_000263.4 (MANE Select); coding-DNA position 241, A replaced by G.
Protein change: p.Thr81Ala; replaces threonine 81 with alanine.
Molecular consequence: missense variant.
Genome position (GRCh38, 1-based): chr17:42,536,513, A>G. VCF-style: chr17-42536513-A-G. GRCh37 (hg19) VCF-style: chr17-40688531-A-G.
Other names: short protein forms T81A.
Identifiers: ClinVar variation 968882 (VCV000968882.6), dbSNP rs2092906625, ClinGen allele CA399595771.

ClinVar aggregate classification (germline): Uncertain significance. Review status: criteria provided, single submitter (1 of 4 stars). 2 submissions from 2 submitters: Uncertain significance (1). 1 of the submissions does not count toward it. Last evaluated 2024-05-29.

Conditions:
Mucopolysaccharidosis, MPS-III-B (MPS3B). Also called: MPS IIIB (Sanfilippo Syndrome Type B); MUCOPOLYSACCHARIDOSIS, TYPE IIIB; Mucopolysaccharidosis type IIIB (Sanfilippo B); N-ACETYL-ALPHA-D-GLUCOSAMINIDASE DEFICIENCY; NAGLU DEFICIENCY; SANFILIPPO SYNDROME B. Identifiers: Orphanet 79270, MedGen C0086648, MONDO:0009656, OMIM 252920.
Charcot-Marie-Tooth disease axonal type 2V. Also called: CHARCOT-MARIE-TOOTH NEUROPATHY, TYPE 2V; CHARCOT-MARIE-TOOTH DISEASE, AXONAL, AUTOSOMAL DOMINANT, TYPE 2V. Identifiers: Orphanet 447964, MedGen C5569050, MONDO:0014665, OMIM 616491.

Allele frequency attached by ClinVar (database versions not stated): gnomAD exomes 0.00001.
gnomAD v4.1: 3 of 1,271,552 alleles (0.00024%); highest among the groups gnomAD compares: South Asian, 0.0028%; no homozygotes.

Submissions (2):

Labcorp Genetics (formerly Invitae), Labcorp
Classification: Uncertain significance for Charcot-Marie-Tooth disease axonal type 2V; Mucopolysaccharidosis, MPS-III-B. Last evaluated: 2024-05-29. Review status: criteria provided, single submitter. Criteria: Invitae Variant Classification Sherloc (09022015). Collection method: clinical testing. Allele origin: germline.
Comment: This sequence change replaces threonine, which is neutral and polar, with alanine, which is neutral and non-polar, at codon 81 of the NAGLU protein (p.Thr81Ala). This variant is not present in population databases (gnomAD no frequency). This missense change has been observed in individual(s) with mucopolysaccharidosis type III (PMID: 23840811). ClinVar contains an entry for this variant (Variation ID: 968882). Advanced modeling of protein sequence and biophysical properties (such as structural, functional, and spatial information, amino acid conservation, physicochemical variation, residue mobility, and thermodynamic stability) performed at Invitae indicates that this missense variant is expected to disrupt NAGLU protein function with a positive predictive value of 95%. In summary, the available evidence is currently insufficient to determine the role of this variant in disease. Therefore, it has been classified as a Variant of Uncertain Significance.

Natera, Inc.
Classification: Uncertain significance for Mucopolysaccharidosis type IIIB. Last evaluated: 2020-08-03. Review status: no assertion criteria provided. Collection method: clinical testing. Allele origin: germline. Not counted in ClinVar's aggregate classification.

Literature cited by the submitters: PubMed 23840811 (cited by Labcorp Genetics (formerly Invitae), Labcorp).